The following is an entry in ClinVar:

NM_144639.3(UROC1):c.562C>T (p.Arg188Trp)

Gene: UROC1 (urocanate hydratase 1; minus strand). Cytogenetic location: 3q21.3.
Variant type: single nucleotide variant.
Coding change: c.562C>T on transcript NM_144639.3 (MANE Select); coding-DNA position 562, C replaced by T.
Protein change: p.Arg188Trp; replaces arginine 188 with tryptophan.
Molecular consequence: missense variant.
Genome position (GRCh38, 1-based): chr3:126,507,782, G>A on the plus strand (C>T on the coding strand, the complement: UROC1 is on the minus strand). VCF-style: chr3-126507782-G-A. GRCh37 (hg19) VCF-style: chr3-126226625-G-A.
Other names: c.562C>T, p.Arg188Trp (NM_001165974.2); short protein forms R188W.
Identifiers: ClinVar variation 789169 (VCV000789169.30), dbSNP rs34488036, ClinGen allele CA2591493.
Genomic context (GRCh38, chr3:126,507,782, plus strand): 5'-AGACTGAAATAGTGACTTACATTGTAACCCCCAAGGCAAAGAGCTTCTCATACTCCGTCC[G>A]GGAGGAGTAGTTGGGAATGACCTGGAGAAGAGGATGGGGGCAGACAGAGGGGCTGAGGGC-3'
Protein context (NP_653240.1, residues 178-198): NGMVIPNYSS[Arg188Trp]TEYEKLFALG

ClinVar aggregate classification (germline): Benign/Likely benign. Review status: criteria provided, multiple submitters, no conflicts (2 of 4 stars). 4 submissions from 4 submitters: Benign (2); Likely benign (2). Last evaluated 2026-08-01.

Conditions:
Urocanate hydratase deficiency (UROCD). Also called: UROCANASE DEFICIENCY; Urocanic aciduria. Identifiers: Orphanet 210128, MedGen C0268514, MONDO:0010167, OMIM 276880, HP:0012237.

Allele frequency attached by ClinVar (database versions not stated): 1000 Genomes Project 0.00240; 1000 Genomes Project 30x 0.00250; TOPMed 0.00486; gnomAD 0.00513 and 0.00558; gnomAD exomes 0.00531 and 0.00710; ExAC 0.00549; ESP Exome Variant Server 0.00554.
gnomAD v4.1: 11,070 of 1,614,140 alleles (0.69%); highest among the groups gnomAD compares: Non-Finnish European, 0.83%; 57 homozygotes.

Submissions (4):

CeGaT Center for Human Genetics Tuebingen
Classification: Likely benign. Last evaluated: 2026-08-01. Review status: criteria provided, single submitter. Criteria: CeGaT Center For Human Genetics Tuebingen Variant Classification Criteria Version 2. Collection method: clinical testing. Allele origin: germline. Affected: yes. Observed: 4 variant alleles.
Comment: UROC1: BS2

Fulgent Genetics
Classification: Likely benign for Urocanate hydratase deficiency. Last evaluated: 2022-03-14. Review status: criteria provided, single submitter. Criteria: ACMG Guidelines, 2015. Collection method: clinical testing. Allele origin: unknown.

Labcorp Genetics (formerly Invitae), Labcorp
Classification: Benign. Last evaluated: 2019-12-31. Review status: criteria provided, single submitter. Criteria: Invitae Variant Classification Sherloc (09022015). Collection method: clinical testing. Allele origin: germline.

Breakthrough Genomics
Classification: Benign. Review status: criteria provided, single submitter. Criteria: ACMG Guidelines, 2015. Collection method: not provided. Allele origin: germline. Inheritance: Autosomal recessive inheritance. Affected: yes.